The following is an entry in ClinVar:

ClinVar aggregate classification (germline): Conflicting classifications of pathogenicity. Review status: criteria provided, conflicting classifications (1 of 4 stars). 7 submissions from 7 submitters: Uncertain significance (3); Likely benign (2). 2 of the submissions do not count toward it. Last evaluated 2026-01-28.

Conditions:
PEX1-related disorder. Also called: PEX1-related condition.
Zellweger spectrum disorders (ZS). Also called: Zellweger syndrome; Zellweger Spectrum Disorder; Zellweger Spectrum; Zellweger Spectrum Disorder (ZSD). Identifiers: Orphanet 912, MedGen C0043459, MONDO:0019609.
Peroxisome biogenesis disorder 1A (Zellweger) (PBD1A). Also called: Peroxisome biogenesis disorder 1a; Zellweger leukodystrophy. Identifiers: MedGen C4721541, MONDO:0008953, OMIM 214100.

Allele frequency attached by ClinVar (database versions not stated): gnomAD 0.00006; TOPMed 0.00010; ExAC 0.00020; ESP Exome Variant Server 0.00023; gnomAD exomes 0.00025.
gnomAD v4.1: 206 of 1,613,770 alleles (0.013%); highest among the groups gnomAD compares: Admixed American, 0.038%; 1 homozygote.

Submissions (7):

Labcorp Genetics (formerly Invitae), Labcorp
Classification: Likely benign for Zellweger spectrum disorders. Last evaluated: 2026-01-28. Review status: criteria provided, single submitter. Criteria: Invitae Variant Classification Sherloc (09022015). Collection method: clinical testing. Allele origin: germline.

GeneDx
Classification: Uncertain significance. Last evaluated: 2026-01-22. Review status: criteria provided, single submitter. Criteria: GeneDx Variant Classification Process June 2021. Collection method: clinical testing. Allele origin: germline. Affected: yes.
Comment: In silico analysis supports that this missense variant has a deleterious effect on protein structure/function; Has not been previously published as pathogenic or benign to our knowledge

Blueprint Genetics
Classification: Likely benign. Last evaluated: 2024-08-12. Review status: criteria provided, single submitter. Criteria: ACMG Guidelines, 2015. Collection method: clinical testing. Allele origin: germline.

Illumina Laboratory Services, Illumina
Classification: Uncertain significance for Peroxisome biogenesis disorder 1A (Zellweger). Last evaluated: 2018-01-12. Review status: criteria provided, single submitter. Criteria: ICSL Variant Classification Criteria 13 December 2019. Collection method: clinical testing. Allele origin: germline.

Eurofins Ntd Llc (ga)
Classification: Uncertain significance. Last evaluated: 2015-08-28. Review status: criteria provided, single submitter. Criteria: EGL Classification Definitions 2015. Collection method: clinical testing. Allele origin: germline. Observed: 1 variant allele, 1 heterozygote.

PreventionGenetics, part of Exact Sciences
Classification: Likely benign for PEX1-related condition. Last evaluated: 2023-05-01. Review status: no assertion criteria provided. Collection method: clinical testing. Allele origin: germline. Not counted in ClinVar's aggregate classification.
Comment: This variant is classified as likely benign based on ACMG/AMP sequence variant interpretation guidelines (Richards et al. 2015 PMID: 25741868, with internal and published modifications).

Natera, Inc.
Classification: Uncertain significance for Zellweger syndrome. Last evaluated: 2018-06-14. Review status: no assertion criteria provided. Collection method: clinical testing. Allele origin: germline. Not counted in ClinVar's aggregate classification.

NM_000466.3(PEX1):c.2842C>T (p.Arg948Trp)

Genes: GATAD1 (GATA zinc finger domain containing 1; plus strand), PEX1 (peroxisomal biogenesis factor 1; minus strand). Cytogenetic location: 7q21.2.
Variant type: single nucleotide variant.
Coding change: c.2842C>T on transcript NM_000466.3 (MANE Select); coding-DNA position 2842, C replaced by T.
Protein change: p.Arg948Trp; replaces arginine 948 with tryptophan.
Molecular consequence: missense variant.
Genome position (GRCh38, 1-based): chr7:92,494,571, G>A on the plus strand (C>T on the coding strand, the complement: PEX1 is on the minus strand). VCF-style: chr7-92494571-G-A. GRCh37 (hg19) VCF-style: chr7-92123885-G-A.
Other names: c.2671C>T, p.Arg891Trp (NM_001282677.2); c.2218C>T, p.Arg740Trp (NM_001282678.2); short protein forms R948W, R740W, R891W.
Identifiers: ClinVar variation 282809 (VCV000282809.27), dbSNP rs374167385, ClinGen allele CA4340995.